The following is an entry in ClinVar:

ClinVar aggregate classification (germline): Conflicting classifications of pathogenicity. Review status: criteria provided, conflicting classifications (1 of 4 stars). 2 submissions from 2 submitters: Uncertain significance (1); Likely benign (1). Last evaluated 2024-03-04.

Conditions:
Hereditary cancer-predisposing syndrome. Also called: Tumor predisposition; Hereditary neoplastic syndrome; Neoplastic Syndromes, Hereditary; Hereditary Cancer Syndrome. Identifiers: Orphanet 140162, MedGen C0027672, MeSH D009386, MONDO:0015356.
Renal cell carcinoma. Identifiers: Orphanet 217071, MedGen C0007134, MeSH D002292, MONDO:0005086, HP:0005584.

Submissions (2):

Ambry Genetics
Classification: Likely benign for Hereditary cancer-predisposing syndrome. Last evaluated: 2024-03-04. Review status: criteria provided, single submitter. Criteria: Ambry Variant Classification Scheme 2023. Collection method: clinical testing. Allele origin: germline.

Labcorp Genetics (formerly Invitae), Labcorp
Classification: Uncertain significance for Renal cell carcinoma. Last evaluated: 2023-07-07. Review status: criteria provided, single submitter. Criteria: Invitae Variant Classification Sherloc (09022015). Collection method: clinical testing. Allele origin: germline.
Comment: This sequence change replaces isoleucine, which is neutral and non-polar, with valine, which is neutral and non-polar, at codon 201 of the MET protein (p.Ile201Val). This variant is not present in population databases (gnomAD no frequency). This variant has not been reported in the literature in individuals affected with MET-related conditions. ClinVar contains an entry for this variant (Variation ID: 1491904). Advanced modeling of protein sequence and biophysical properties (such as structural, functional, and spatial information, amino acid conservation, physicochemical variation, residue mobility, and thermodynamic stability) performed at Invitae indicates that this missense variant is not expected to disrupt MET protein function. In summary, the available evidence is currently insufficient to determine the role of this variant in disease. Therefore, it has been classified as a Variant of Uncertain Significance.

NM_000245.4(MET):c.601A>G (p.Ile201Val)

Gene: MET (MET proto-oncogene, receptor tyrosine kinase; plus strand). Cytogenetic location: 7q31.2.
Variant type: single nucleotide variant.
Coding change: c.601A>G on transcript NM_000245.4 (MANE Select); coding-DNA position 601, A replaced by G.
Protein change: p.Ile201Val; replaces isoleucine 201 with valine.
Molecular consequence: missense variant. On other transcripts: intron variant (1).
Genome position (GRCh38, 1-based): chr7:116,699,685, A>G. VCF-style: chr7-116699685-A-G. GRCh37 (hg19) VCF-style: chr7-116339739-A-G.
Other names: c.601A>G (NM_001127500.1); c.601A>G, p.Ile201Val (NM_001127500.3, NM_001324401.3); c.-91+27108A>G (NM_001324402.2); short protein forms I201V.
Identifiers: ClinVar variation 1491904 (VCV001491904.7), dbSNP rs2116592997, ClinGen allele CA368969435.
Genomic context (GRCh38, chr7:116,699,685, plus strand): 5'-GGAGCCAAAGTCCTTTCATCTGTAAAGGACCGGTTCATCAACTTCTTTGTAGGCAATACC[A>G]TAAATTCTTCTTATTTCCCAGATCATCCATTGCATTCGATATCAGTGAGAAGGCTAAAGG-3'
Protein context (NP_000236.2, residues 191-211): RFINFFVGNT[Ile201Val]NSSYFPDHPL